The following is an entry in ClinVar:

ClinVar aggregate classification (germline): Likely benign (1 of 4 stars; one submission).

Submission:

CeGaT Center for Human Genetics Tuebingen
Classification: Likely benign. Last evaluated: 2026-08-01. Review status: criteria provided, single submitter. Criteria: CeGaT Center For Human Genetics Tuebingen Variant Classification Criteria Version 2. Collection method: clinical testing. Allele origin: germline. Affected: yes. Observed: 1 variant allele.
Comment: HERC2: BP4, BP7

NM_004667.6(HERC2):c.6C>T (p.Pro2=)

Gene: HERC2 (HECT and RLD domain containing E3 ubiquitin protein ligase 2; minus strand). Cytogenetic location: 15q13.1.
Variant type: single nucleotide variant.
Coding change: c.6C>T on transcript NM_004667.6 (MANE Select); coding-DNA position 6, C replaced by T.
Protein change: p.Pro2=; no amino-acid change (proline 2 retained).
Molecular consequence: synonymous variant.
Genome position (GRCh38, 1-based): chr15:28,321,428, G>A on the plus strand (C>T on the coding strand, the complement: HERC2 is on the minus strand). VCF-style: chr15-28321428-G-A. GRCh37 (hg19) VCF-style: chr15-28566574-G-A.
Identifiers: ClinVar variation 5039735 (VCV005039735.1).
Genomic context (GRCh38, chr15:28,321,428, plus strand): 5'-ATCTGTTTTCAACCATTTGGAGTCGAGGCGAGCCTGGGCAGCCAAACAGAAAGATTCAGA[G>A]GGCATCTTTTCTCCAGCTTCCTCCCAGGTCTCAGGCCTGCAAGTAAACACATACGCTGAA-3'
Protein context (NP_004658.3, residues 1-12): M[Pro2=]SESFCLAAQA